The following is an entry in ClinVar:

NM_176824.3(BBS7):c.478C>T (p.Arg160Cys)

Gene: BBS7 (Bardet-Biedl syndrome 7; minus strand). Cytogenetic location: 4q27.
Variant type: single nucleotide variant.
Coding change: c.478C>T on transcript NM_176824.3 (MANE Select); coding-DNA position 478, C replaced by T.
Protein change: p.Arg160Cys; replaces arginine 160 with cysteine.
Molecular consequence: missense variant.
Genome position (GRCh38, 1-based): chr4:121,859,042, G>A on the plus strand (C>T on the coding strand, the complement: BBS7 is on the minus strand). VCF-style: chr4-121859042-G-A. GRCh37 (hg19) VCF-style: chr4-122780197-G-A.
Other names: c.478C>T, p.Arg160Cys (NM_018190.4); c.478C>T (NM_176824.2); short protein forms R160C.
Identifiers: ClinVar variation 1000806 (VCV001000806.6), dbSNP rs756538454, ClinGen allele CA3064508.

ClinVar aggregate classification (germline): Uncertain significance. Review status: criteria provided, multiple submitters, no conflicts (2 of 4 stars). 4 submissions from 4 submitters: Uncertain significance (4). Last evaluated 2026-06-16.

Conditions:
Bardet-Biedl syndrome (BBS). Identifiers: Orphanet 110, MedGen C0752166, MONDO:0015229.
BBS7-related disorder. Also called: BBS7-related condition.
Inborn genetic diseases. Identifiers: MedGen C0950123, MeSH D030342.

Allele frequency attached by ClinVar (database versions not stated): ExAC 0.00002; gnomAD 0.00002; gnomAD exomes 0.00002; TOPMed 0.00003.
gnomAD v4.1: 27 of 1,613,744 alleles (0.0017%); highest among the groups gnomAD compares: Middle Eastern, 0.016%; no homozygotes.

Submissions (4):

PreventionGenetics, part of Exact Sciences
Classification: Uncertain significance for BBS7-related condition. Last evaluated: 2026-06-16. Review status: criteria provided, single submitter. Criteria: ACMG Guidelines, 2015. Collection method: clinical testing. Allele origin: germline.
Comment: The BBS7 c.478C>T variant is predicted to result in the amino acid substitution p.Arg160Cys. To our knowledge, this variant has not been reported in the literature. This variant is reported in 0.014% of alleles in individuals of Latino descent in gnomAD. At this time, the clinical significance of this variant is uncertain due to the absence of conclusive functional and genetic evidence.

Labcorp Genetics (formerly Invitae), Labcorp
Classification: Uncertain significance for Bardet-Biedl syndrome. Last evaluated: 2026-01-05. Review status: criteria provided, single submitter. Criteria: Invitae Variant Classification Sherloc (09022015). Collection method: clinical testing. Allele origin: germline.
Comment: This sequence change replaces arginine, which is basic and polar, with cysteine, which is neutral and slightly polar, at codon 160 of the BBS7 protein (p.Arg160Cys). This variant is present in population databases (rs756538454, gnomAD 0.01%). This variant has not been reported in the literature in individuals affected with BBS7-related conditions. ClinVar contains an entry for this variant (Variation ID: 1000806). Invitae Evidence Modeling of protein sequence and biophysical properties (such as structural, functional, and spatial information, amino acid conservation, physicochemical variation, residue mobility, and thermodynamic stability) indicates that this missense variant is not expected to disrupt BBS7 protein function with a negative predictive value of 80%. In summary, the available evidence is currently insufficient to determine the role of this variant in disease. Therefore, it has been classified as a Variant of Uncertain Significance.

Ambry Genetics
Classification: Uncertain significance for Inborn genetic diseases. Last evaluated: 2025-06-16. Review status: criteria provided, single submitter. Criteria: Ambry Variant Classification Scheme 2023. Collection method: clinical testing. Allele origin: germline.

Blueprint Genetics
Classification: Uncertain significance. Last evaluated: 2021-07-13. Review status: criteria provided, single submitter. Criteria: ACMG Guidelines, 2015. Collection method: clinical testing. Allele origin: germline.